The following is an entry in ClinVar:

ClinVar aggregate classification (germline): Pathogenic (1 of 4 stars; one submission).

Conditions:
Gorlin syndrome. Also called: Basal cell nevus syndrome; Nevoid Basal Cell Carcinoma Syndrome. Identifiers: Orphanet 377, MedGen C0004779, MONDO:0007187.

Submission:

Labcorp Genetics (formerly Invitae), Labcorp
Classification: Pathogenic for Gorlin syndrome. Last evaluated: 2024-07-03. Review status: criteria provided, single submitter. Criteria: Invitae Variant Classification Sherloc (09022015). Collection method: clinical testing. Allele origin: germline.
Comment: This sequence change creates a premature translational stop signal (p.Arg34Glufs*58) in the PTCH1 gene. It is expected to result in an absent or disrupted protein product. Loss-of-function variants in PTCH1 are known to be pathogenic (PMID: 16301862, 16419085). This variant is not present in population databases (gnomAD no frequency). This variant has not been reported in the literature in individuals affected with PTCH1-related conditions. For these reasons, this variant has been classified as Pathogenic.

Literature cited by the submitters: PubMed 16301862; PubMed 16419085.

NM_000264.5(PTCH1):c.92_98dup (p.Arg34fs)

Genes: PTCH1 (patched 1; minus strand), LOC130002133 (ATAC-STARR-seq lymphoblastoid silent region 20071; plus strand). Cytogenetic location: 9q22.32.
Variant type: Microsatellite.
Coding change: c.92_98dup on transcript NM_000264.5 (MANE Select); coding-DNA positions 92 to 98, 7 bases duplicated (GGAGGCG; older notation c.92_98dupGGAGGCG).
Protein change: p.Arg34fs; shifts the reading frame from arginine 34.
Molecular consequence: frameshift variant. On other transcripts: non-coding transcript variant (1), intron variant (3).
Genome position (GRCh38, 1-based): chr9:95,508,264-95,508,270, CGCCTCC duplicated on the plus strand (GGAGGCG on the coding strand, the reverse complement: PTCH1 is on the minus strand); duplicating any 7 consecutive bases within chr9:95,508,264-95,508,277 gives the same sequence; the c. name uses the placement nearest the transcript's 3' end. VCF-style (leftmost placement, unchanged base first): chr9-95508263-G-GCGCCTCC. GRCh37 (hg19) VCF-style: chr9-98270545-G-GCGCCTCC.
Other names: c.92_98dup, p.Arg34fs (NM_001354918.2); c.199-1678GGAGGCG[3] (NM_001083603.3); c.4-1678GGAGGCG[3] (NM_001083602.3, NM_001354919.2); short protein forms R34fs.
Identifiers: ClinVar variation 3692855 (VCV003692855.2).